The following is an entry in ClinVar:

ClinVar aggregate classification (germline): Uncertain significance. Review status: criteria provided, single submitter (1 of 4 stars). 2 submissions from 2 submitters: Uncertain significance (1). 1 of the submissions does not count toward it. Last evaluated 2024-06-26.

Conditions:
PLXNA3-related disorder. Also called: PLXNA3-related condition.

gnomAD v4.1: 36 of 1,207,199 alleles (0.003%); highest among the groups gnomAD compares: Non-Finnish European, 0.0039%; no homozygotes.

Submissions (2):

Ambry Genetics
Classification: Uncertain significance. Last evaluated: 2024-06-26. Review status: criteria provided, single submitter. Criteria: Ambry Variant Classification Scheme 2023. Collection method: clinical testing. Allele origin: germline.

PreventionGenetics, part of Exact Sciences
Classification: Uncertain significance for PLXNA3-related condition. Last evaluated: 2024-03-13. Review status: no assertion criteria provided. Collection method: clinical testing. Allele origin: germline. Not counted in ClinVar's aggregate classification.
Comment: The PLXNA3 c.3262C>T variant is predicted to result in the amino acid substitution p.Arg1088Trp. To our knowledge, this variant has not been reported in the literature. This variant is reported in 0.0050% of alleles in individuals of European (Non-Finnish) descent in gnomAD. At this time, the clinical significance of this variant is uncertain due to the absence of conclusive functional and genetic evidence.

NM_017514.5(PLXNA3):c.3262C>T (p.Arg1088Trp)

Gene: PLXNA3 (plexin A3; plus strand). Cytogenetic location: Xq28.
Variant type: single nucleotide variant.
Coding change: c.3262C>T on transcript NM_017514.5 (MANE Select); coding-DNA position 3262, C replaced by T.
Protein change: p.Arg1088Trp; replaces arginine 1088 with tryptophan.
Molecular consequence: missense variant.
Genome position (GRCh38, 1-based): chrX:154,467,292, C>T. VCF-style: chrX-154467292-C-T. GRCh37 (hg19) VCF-style: chrX-153695635-C-T.
Other names: c.3262C>T (NM_017514.3); short protein forms R1088W.
Identifiers: ClinVar variation 3354438 (VCV003354438.2).